The following is an entry in ClinVar:

NM_000400.4(ERCC2):c.38C>A (p.Pro13Gln)

Gene: ERCC2 (ERCC excision repair 2, TFIIH core complex helicase subunit; minus strand). Cytogenetic location: 19q13.32.
Variant type: single nucleotide variant.
Coding change: c.38C>A on transcript NM_000400.4 (MANE Select); coding-DNA position 38, C replaced by A.
Protein change: p.Pro13Gln; replaces proline 13 with glutamine.
Molecular consequence: missense variant. On other transcripts: 5 prime UTR variant (1).
Genome position (GRCh38, 1-based): chr19:45,370,200, G>T on the plus strand (C>A on the coding strand, the complement: ERCC2 is on the minus strand). VCF-style: chr19-45370200-G-T. GRCh37 (hg19) VCF-style: chr19-45873458-G-T.
Other names: NC_000019.9:g.45873458G>T; c.-35C>A (NM_001130867.2); short protein forms P13Q.
Identifiers: ClinVar variation 1735993 (VCV001735993.3), dbSNP rs2514048618, ClinGen allele CA406380131.

ClinVar aggregate classification (germline): Uncertain significance (1 of 4 stars; one submission).

Conditions:
Inborn genetic diseases. Identifiers: MedGen C0950123, MeSH D030342.

Submissions (2):

Ambry Genetics
Classification: Uncertain significance for Inborn genetic diseases. Last evaluated: 2022-02-17. Review status: criteria provided, single submitter. Criteria: Ambry Variant Classification Scheme 2023. Collection method: clinical testing. Allele origin: germline.
Comment: The p.P13Q variant (also known as c.38C>A), located in coding exon 2 of the ERCC2 gene, results from a C to A substitution at nucleotide position 38. The proline at codon 13 is replaced by glutamine, an amino acid with similar properties. This amino acid position is conserved. In addition, this alteration is predicted to be deleterious by in silico analysis. Since supporting evidence is limited at this time, the clinical significance of this alteration remains unclear.

Dr. Peter K. Rogan Lab, Western University
No classification provided (evidence only). Condition: Lung cancer. Review status: no classification provided. Collection method: in vitro. Allele origin: not applicable. Functional consequence: skipped exon. Not counted in ClinVar's aggregate classification.